The following is an entry in ClinVar:

NM_018112.3(TMEM38B):c.341C>T (p.Ala114Val)

Gene: TMEM38B (transmembrane protein 38B; plus strand). Cytogenetic location: 9q31.2.
Variant type: single nucleotide variant.
Coding change: c.341C>T on transcript NM_018112.3 (MANE Select); coding-DNA position 341, C replaced by T.
Protein change: p.Ala114Val; replaces alanine 114 with valine.
Molecular consequence: missense variant.
Genome position (GRCh38, 1-based): chr9:105,721,608, C>T. VCF-style: chr9-105721608-C-T. GRCh37 (hg19) VCF-style: chr9-108483889-C-T.
Other names: short protein forms A114V.
Identifiers: ClinVar variation 1702068 (VCV001702068.9), dbSNP rs199758976, ClinGen allele CA5170849.
Genomic context (GRCh38, chr9:105,721,608, plus strand): 5'-TTTTTTGCCCGCATGACCTAGTTTCCCAGGGCTATTCATATCTACCTGTTCAACTACTGG[C>T]TTCGGGAATGAAGGAAGTGACCAGAACTTGGAAAATAGTAGGTGGAGTCACACATGCTAA-3'
Protein context (NP_060582.1, residues 104-124): GYSYLPVQLL[Ala114Val]SGMKEVTRTW

ClinVar aggregate classification (germline): Conflicting classifications of pathogenicity. Review status: criteria provided, conflicting classifications (1 of 4 stars). 3 submissions from 3 submitters: Uncertain significance (1); Likely benign (2). Last evaluated 2026-01-13.

Conditions:
Osteogenesis imperfecta (OI). Identifiers: Orphanet 666, MedGen C0029434, MeSH D010013, MONDO:0019019.

Allele frequency attached by ClinVar (database versions not stated): ESP Exome Variant Server 0.00015; gnomAD 0.00018; TOPMed 0.00020; ExAC 0.00021; gnomAD exomes 0.00025.
gnomAD v4.1: 217 of 1,613,482 alleles (0.013%); highest among the groups gnomAD compares: Non-Finnish European, 0.0019%; no homozygotes.

Submissions (3):

Labcorp Genetics (formerly Invitae), Labcorp
Classification: Likely benign. Last evaluated: 2026-01-13. Review status: criteria provided, single submitter. Criteria: Invitae Variant Classification Sherloc (09022015). Collection method: clinical testing. Allele origin: germline.

GeneDx
Classification: Uncertain significance. Last evaluated: 2024-08-08. Review status: criteria provided, single submitter. Criteria: GeneDx Variant Classification Process June 2021. Collection method: clinical testing. Allele origin: germline. Affected: yes.
Comment: In silico analysis indicates that this missense variant does not alter protein structure/function; Has not been previously published as pathogenic or benign to our knowledge

Genome Diagnostics Laboratory, The Hospital for Sick Children
Classification: Likely benign for Osteogenesis imperfecta. Last evaluated: 2019-06-01. Review status: criteria provided, single submitter. Criteria: ACMG Guidelines, 2015. Collection method: clinical testing. Allele origin: germline.